The following is an entry in ClinVar:

ClinVar aggregate classification (germline): Pathogenic/Likely pathogenic. Review status: criteria provided, multiple submitters, no conflicts (2 of 4 stars). 16 submissions from 16 submitters: Pathogenic (9); Likely pathogenic (3). 4 of the submissions do not count toward it. Last evaluated 2025-12-24.

Conditions:
Early-infantile DEE. Also called: Ohtahara syndrome; Early infantile epileptic encephalopathy with suppression bursts; Early infantile epileptic encephalopathy. Identifiers: Orphanet 1934, MedGen C0393706, MONDO:0800491.
Inborn genetic diseases. Identifiers: MedGen C0950123, MeSH D030342.
Seizures, benign familial neonatal, 1. Also called: KCNQ2-Related Benign Familial Neonatal Epilepsy; KCNQ2-Related Self-Limited Familial Neonatal Epilepsy (SLFNE); Seizures, benign neonatal, 1; Benign Neonatal Epilepsy 1. Identifiers: Orphanet 1949, MedGen C3149074, MONDO:0007365, OMIM 121200.
Developmental and epileptic encephalopathy, 7 (DEE7). Also called: KCNQ2-Related Neonatal Epileptic Encephalopathy; KCNQ2-Related Neonatal-Onset Developmental and Epileptic Encephalopathy (NEO-DEE); Early infantile epileptic encephalopathy 7. Identifiers: Orphanet 439218, MedGen C3150986, MONDO:0013387, OMIM 613720.
KCNQ2-Related Disorders. Also called: KCNQ2-related disorder; KCNQ2-related condition. Identifiers: MedGen CN169299.
Seizure. Also called: Seizures. Identifiers: MedGen C0036572, HP:0001250.
Intellectual disability. Also called: intellectual disabilities; Intellectual functioning disability; Intellectual developmental disorder. Identifiers: MedGen C3714756, MeSH D008607, MONDO:0001071, HP:0001249.

Submissions (16):

3billion
Classification: Pathogenic for Developmental and epileptic encephalopathy, 7. Last evaluated: 2025-12-24. Review status: criteria provided, single submitter. Criteria: ACMG Guidelines, 2015. Collection method: clinical testing. Allele origin: germline. Affected: yes.
Comment: The variant is not observed in the gnomAD v4.1.0 dataset. Predicted Consequence/Location: The variant is located in a mutational hot spot and/or well-established functional domain in which established pathogenic variants have been reported. In silico tool predictions suggest damaging effect of the variant on gene or gene product [REVEL: 0.82 (>=0.6, sensitivity 0.68 and specificity 0.92); 3Cnet: 1.00 (> 0.75, sensitivity 0.96 and precision 0.92)]. The same nucleotide change resulting in the same amino acid change has been previously reported as pathogenic/likely pathogenic with strong evidence (ClinVar ID: VCV000120176 /PMID: 22926866 /3billion dataset). Different missense changes at the same codon (p.Ala265Gly, p.Ala265Pro, p.Ala265Ser, p.Ala265Thr) have been reported as pathogenic/likely pathogenic with strong evidence (ClinVar ID: VCV000197891, VCV004294458 /PMID: 22275249, 23692823, 31418850). Therefore, this variant is classified as Pathogenic according to the recommendation of ACMG/AMP guideline.

Labcorp Genetics (formerly Invitae), Labcorp
Classification: Pathogenic for Early-infantile DEE. Last evaluated: 2024-11-26. Review status: criteria provided, single submitter. Criteria: Invitae Variant Classification Sherloc (09022015). Collection method: clinical testing. Allele origin: germline.
Comment: This sequence change replaces alanine, which is neutral and non-polar, with valine, which is neutral and non-polar, at codon 265 of the KCNQ2 protein (p.Ala265Val). This variant is not present in population databases (gnomAD no frequency). This missense change has been observed in individual(s) with early onset epileptic encephalopathy (PMID: 22926866, 30185235). In at least one individual the variant was observed to be de novo. ClinVar contains an entry for this variant (Variation ID: 120176). Invitae Evidence Modeling of protein sequence and biophysical properties (such as structural, functional, and spatial information, amino acid conservation, physicochemical variation, residue mobility, and thermodynamic stability) indicates that this missense variant is expected to disrupt KCNQ2 protein function with a positive predictive value of 95%. This variant disrupts the p.Ala265 amino acid residue in KCNQ2. Other variant(s) that disrupt this residue have been determined to be pathogenic (PMID: 22275249, 23692823, 27535030, 27602407, 27779742). This suggests that this residue is clinically significant, and that variants that disrupt this residue are likely to be disease-causing. For these reasons, this variant has been classified as Pathogenic.

Clinical Genetics Laboratory, Skane University Hospital Lund
Classification: Pathogenic. Last evaluated: 2024-02-14. Review status: criteria provided, single submitter. Criteria: ACMG Guidelines, 2015. Collection method: clinical testing. Allele origin: germline. Affected: yes.

Cytogénomique, Hospices Civils de Lyon
Classification: Pathogenic for Seizures. Last evaluated: 2024-01-26. Review status: criteria provided, single submitter. Criteria: ACMG Guidelines, 2015. Collection method: clinical testing. Allele origin: de novo. Affected: yes. Observed: 1 variant allele, 1 compound heterozygote.

Blueprint Genetics
Classification: Pathogenic for KCNQ2-related disorders. Last evaluated: 2023-09-14. Review status: criteria provided, single submitter. Criteria: ACMG Guidelines, 2015. Collection method: clinical testing. Allele origin: de novo. Affected: yes. Observed: 2 variant alleles.

GeneDx
Classification: Pathogenic. Last evaluated: 2022-03-09. Review status: criteria provided, single submitter. Criteria: GeneDx Variant Classification Process June 2021. Collection method: clinical testing. Allele origin: germline. Affected: yes.
Comment: The majority of missense variants in this gene are considered pathogenic (HGMD); In silico analysis, which includes protein predictors and evolutionary conservation, supports a deleterious effect; Not observed at significant frequency in large population cohorts (gnomAD); This variant is associated with the following publications: (PMID: 22926866, 23621294, 28867141, 30185235, 31036916, 31418850, 32362866, 32139178, 32917465, 33098118, 32712949, 31785789, 27602407)

Molecular Genetics, Royal Melbourne Hospital
Classification: Pathogenic for Developmental and epileptic encephalopathy, 7. Last evaluated: 2021-10-01. Review status: criteria provided, single submitter. Criteria: ACMG Guidelines, 2015. Collection method: clinical testing. Allele origin: germline. Affected: yes.
Comment: This sequence change in KCNQ2 is predicted to replace alanine with valine at codon 265 (p.(Ala265Val)). The alanine residue is highly conserved (100 vertebrates, UCSC), and is located in the transmembrane ion transport domain in a region, amino acids 1-369, that is highly constrained. There is a moderate physicochemical difference between alanine and valine. This variant is absent from gnomAD v2.1 and v3.1. This variant has been identified as a de novo occurrence with confirmed parental relationships in 3 individuals and as a de novo occurrence with unconfirmed parental relationships in 2 individuals with Ohtahara syndrome or undetermined neonatal epileptic encephalopathy (NEE; PMID: 22926866, 23621294, 25959266, 32362866, 34354098). It has also been identified in 2 individuals with NEE and unknown de novo status (PMID: 25959266, 34395220). Multiple lines of computational evidence have conflicting predictions for the missense substitution (4/6 algorithms predict deleterious). Another missense variant c.793G>A, p.Ala265Thr in the same codon has been classified as pathogenic for NEE (ClinVar Variation ID: 197891). Based on the classification scheme RMH Modified ACMG Guidelines v1.4.0, this variant is classified as PATHOGENIC. Following criteria are met: PS2/PM6_Strong, PM1, PM5, PS4_Supporting, PM2_Supporting.

CeGaT Center for Human Genetics Tuebingen
Classification: Pathogenic. Last evaluated: 2020-08-01. Review status: criteria provided, single submitter. Criteria: CeGaT Center For Human Genetics Tuebingen Variant Classification Criteria Version 2. Collection method: clinical testing. Allele origin: germline. Affected: yes. Observed: 2 variant alleles.

Genomic Research Center, Shahid Beheshti University of Medical Sciences
Classification: Likely pathogenic for Early infantile epileptic encephalopathy 7. Last evaluated: 2019-04-27. Review status: criteria provided, single submitter. Criteria: ACMG Guidelines, 2015. Collection method: clinical testing. Allele origin: unknown. Affected: yes.

Equipe Genetique des Anomalies du Developpement, Université de Bourgogne
Classification: Pathogenic for Developmental and epileptic encephalopathy, 7. Last evaluated: 2017-06-26. Review status: criteria provided, single submitter. Criteria: ACMG Guidelines, 2015. Collection method: clinical testing. Allele origin: unknown. Affected: yes. Study: Clinvar_gadteam_Clinical_exome_analysis_3.

Ambry Genetics
Classification: Likely pathogenic for Inborn genetic diseases. Last evaluated: 2017-05-01. Review status: criteria provided, single submitter. Criteria: Ambry Variant Classification Scheme 2023. Collection method: clinical testing. Allele origin: germline.
Comment: The p.A265V variant (also known as c.794C>T), located in coding exon 5 of the KCNQ2 gene, results from a C to T substitution at nucleotide position 794. The alanine at codon 265 is replaced by valine, an amino acid with similar properties. This variant as been observed de novo in unrelated patients with early onset epileptic encephalopathy (Saitsu H et al. Ann. Neurol., 2012 Aug;72:298-300; Milh M et al. Am. J. Med. Genet. A, 2015 Oct;167A:2314-8). This amino acid position is highly conserved in available vertebrate species. In addition, this alteration is predicted to be deleterious by in silico analysis. Based on the majority of available evidence to date, this variant is likely to be pathogenic.

Center for Genomics, Ann and Robert H. Lurie Children's Hospital of Chicago
Classification: Likely pathogenic for Developmental and epileptic encephalopathy, 7; Seizures, benign familial neonatal, 1. Review status: criteria provided, single submitter. Criteria: ACMG Guidelines, 2015. Collection method: clinical testing. Allele origin: germline.
Comment: KCNQ2 NM_172107 exon 5 p.Ala265Val (c.794C>T): This variant has been reported in the literature in at least 2 individuals (1 with early onset epileptic encephalopathy and 1 with Ohtahara syndrome), both of whom were reported as de novo (Saitsu 2012 PMID:2292866, Kato 2013 PMID:23621294). This variant is not present in large control databases. This variant is present in ClinVar (Variation ID:120176). Evolutionary conservation and computational predictive tools suggest that this variant may impact the protein. Of note, other variants at this position (p.Ala265Thr, p.Ala265Pro) have been reported in association with disease, suggesting that this codon has functional significance. In summary, data on this variant is highly suspicious for disease, but requires further evidence for pathogenicity. Therefore, this variant classified as likely pathogenic.

Diagnostic Laboratory, Strasbourg University Hospital
Classification: Pathogenic for Intellectual disability. Last evaluated: 2017-12-01. Review status: no assertion criteria provided. Collection method: clinical testing. Allele origin: de novo. Inheritance: Autosomal dominant inheritance. Affected: yes. Observed: 1 heterozygote. Not counted in ClinVar's aggregate classification.

Molecular Genetics Laboratory, BC Children's and BC Women's Hospitals
Classification: Pathogenic for KCNQ2-related disorders. Last evaluated: 2017-06-27. Review status: no assertion criteria provided. Criteria: ACMG Guidelines, 2015. Collection method: clinical testing. Allele origin: de novo. Affected: yes. Not counted in ClinVar's aggregate classification.

OMIM
Classification: Pathogenic for DEVELOPMENTAL AND EPILEPTIC ENCEPHALOPATHY 7. Last evaluated: 2013-07-01. Review status: no assertion criteria provided. Collection method: literature only. Allele origin: germline. Not counted in ClinVar's aggregate classification.

GeneReviews
No classification provided. Condition: Developmental and epileptic encephalopathy, 7. Review status: no classification provided. Collection method: literature only. Allele origin: germline. Affected: yes. Not counted in ClinVar's aggregate classification.
Comment: EE (epileptic encephalopathy)

Literature cited by the submitters: PubMed 22926866 (cited by 6 submitters); PubMed 22275249 (cited by 3billion and Labcorp Genetics (formerly Invitae), Labcorp); PubMed 30185235 (cited by Labcorp Genetics (formerly Invitae), Labcorp); PubMed 23692823 (cited by Labcorp Genetics (formerly Invitae), Labcorp); PubMed 27535030 (cited by Labcorp Genetics (formerly Invitae), Labcorp); PubMed 27602407 (cited by Labcorp Genetics (formerly Invitae), Labcorp); PubMed 27779742 (cited by Labcorp Genetics (formerly Invitae), Labcorp); PubMed 23621294 (cited by 3 submitters); PubMed 25959266 (cited by 3 submitters); PubMed 32362866 (cited by Molecular Genetics, Royal Melbourne Hospital); PubMed 34354098 (cited by Molecular Genetics, Royal Melbourne Hospital); PubMed 34395220 (cited by Molecular Genetics, Royal Melbourne Hospital); NCBI Bookshelf NBK32534 (cited by GeneReviews).

NM_172107.4(KCNQ2):c.794C>T (p.Ala265Val)

Gene: KCNQ2 (potassium voltage-gated channel subfamily Q member 2; minus strand). Cytogenetic location: 20q13.33.
Variant type: single nucleotide variant.
Coding change: c.794C>T on transcript NM_172107.4 (MANE Select); coding-DNA position 794, C replaced by T.
Protein change: p.Ala265Val; replaces alanine 265 with valine.
Molecular consequence: missense variant.
Genome position (GRCh38, 1-based): chr20:63,442,428, G>A on the plus strand (C>T on the coding strand, the complement: KCNQ2 is on the minus strand). VCF-style: chr20-63442428-G-A. GRCh37 (hg19) VCF-style: chr20-62073781-G-A.
Other names: p.A265V:GCG>GTG; KCNQ2; c.794C>T, p.Ala265Val (NM_004518.6, NM_172106.3, NM_172108.5 and 1 more transcripts); short protein forms A265V.
Identifiers: ClinVar variation 120176 (VCV000120176.73), dbSNP rs587777219, ClinGen allele CA150769.